The following is an entry in ClinVar:

ClinVar aggregate classification (germline): Uncertain significance (1 of 4 stars; one submission).

Conditions:
Hereditary cancer-predisposing syndrome. Also called: Neoplastic Syndromes, Hereditary; Tumor predisposition; Hereditary Cancer Syndrome; Hereditary neoplastic syndrome. Identifiers: Orphanet 140162, MedGen C0027672, MeSH D009386, MONDO:0015356.

gnomAD v4.1: 1 of 1,614,178 alleles (0.000062%); highest among the groups gnomAD compares: Non-Finnish European, 0.000085%; no homozygotes.

Submission:

Ambry Genetics
Classification: Uncertain significance for Hereditary cancer-predisposing syndrome. Last evaluated: 2022-02-28. Review status: criteria provided, single submitter. Criteria: Ambry Variant Classification Scheme 2023. Collection method: clinical testing. Allele origin: germline.
Comment: The p.T395K variant (also known as c.1184C>A), located in coding exon 4 of the MSH6 gene, results from a C to A substitution at nucleotide position 1184. The threonine at codon 395 is replaced by lysine, an amino acid with similar properties. This amino acid position is well conserved in available vertebrate species. In addition, this alteration is predicted to be deleterious by in silico analysis. Since supporting evidence is limited at this time, the clinical significance of this alteration remains unclear.

NM_000179.3(MSH6):c.1184C>A (p.Thr395Lys)

Gene: MSH6 (mutS homolog 6; plus strand). Cytogenetic location: 2p16.3.
Variant type: single nucleotide variant.
Coding change: c.1184C>A on transcript NM_000179.3 (MANE Select); coding-DNA position 1184, C replaced by A.
Protein change: p.Thr395Lys; replaces threonine 395 with lysine.
Molecular consequence: missense variant.
Genome position (GRCh38, 1-based): chr2:47,799,167, C>A. VCF-style: chr2-47799167-C-A. GRCh37 (hg19) VCF-style: chr2-48026306-C-A.
Other names: c.794C>A, p.Thr265Lys (NM_001281492.2); c.278C>A, p.Thr93Lys (NM_001281493.2, NM_001281494.2); short protein forms T395K, T265K, T93K.
Identifiers: ClinVar variation 231495 (VCV000231495.5), dbSNP rs767658494, ClinGen allele CA10578063.
Genomic context (GRCh38, chr2:47,799,167, plus strand): 5'-AGGAAAAGAGAAGAGATGAGCACAGGAGGAGGCCTGATCACCCCGATTTTGATGCATCTA[C>A]ACTCTATGTGCCTGAGGATTTCCTCAATTCTTGTACTCCTGGGATGAGGAAGTGGTGGCA-3'
Protein context (NP_000170.1, residues 385-405): RPDHPDFDAS[Thr395Lys]LYVPEDFLNS